The following is an entry in ClinVar:

NM_078470.6(COX15):c.90+1G>A

Genes: COX15 (cytochrome c oxidase assembly factor COX15; minus strand), LOC130004506 (ATAC-STARR-seq lymphoblastoid active region 3872; plus strand). Cytogenetic location: 10q24.2.
Variant type: single nucleotide variant.
Coding change: c.90+1G>A on transcript NM_078470.6 (MANE Select); the canonical splice donor site of the intron after coding-DNA position 90, G replaced by A.
Molecular consequence: splice donor variant.
Genome position (GRCh38, 1-based): chr10:99,731,959, C>T on the plus strand (G>A on the coding strand, the complement: COX15 is on the minus strand). VCF-style: chr10-99731959-C-T. GRCh37 (hg19) VCF-style: chr10-101491716-C-T.
Other names: c.90+1G>A (NM_001320974.2, NM_001372026.1, NM_001372028.1 and 5 more transcripts); c.-365+1G>A (NM_001320976.2).
Identifiers: ClinVar variation 2184963 (VCV002184963.6), dbSNP rs1259153475, ClinGen allele CA378090754.

ClinVar aggregate classification (germline): Conflicting classifications of pathogenicity. Review status: criteria provided, conflicting classifications (1 of 4 stars). 2 submissions from 2 submitters: Likely pathogenic (1); Uncertain significance (1). Last evaluated 2023-09-27.

Allele frequency attached by ClinVar (database versions not stated): TOPMed below 0.00001.
gnomAD v4.1: 2 of 1,609,024 alleles (0.00012%); highest among the groups gnomAD compares: Non-Finnish European, 0.00017%; no homozygotes.

Submissions (2):

Labcorp Genetics (formerly Invitae), Labcorp
Classification: Likely pathogenic. Last evaluated: 2023-09-27. Review status: criteria provided, single submitter. Criteria: Invitae Variant Classification Sherloc (09022015). Collection method: clinical testing. Allele origin: germline.
Comment: In summary, the currently available evidence indicates that the variant is pathogenic, but additional data are needed to prove that conclusively. Therefore, this variant has been classified as Likely Pathogenic. Algorithms developed to predict the effect of sequence changes on RNA splicing suggest that this variant may disrupt the consensus splice site. ClinVar contains an entry for this variant (Variation ID: 2184963). This variant has not been reported in the literature in individuals affected with COX15-related conditions. The frequency data for this variant in the population databases is considered unreliable, as metrics indicate poor data quality at this position in the gnomAD database. This sequence change affects a donor splice site in intron 1 of the COX15 gene. It is expected to disrupt RNA splicing. Variants that disrupt the donor or acceptor splice site typically lead to a loss of protein function (PMID: 16199547), and loss-of-function variants in COX15 are known to be pathogenic (PMID: 15863660, 21412973).

Blueprint Genetics
Classification: Uncertain significance. Last evaluated: 2020-03-31. Review status: criteria provided, single submitter. Criteria: ACMG Guidelines, 2015. Collection method: clinical testing. Allele origin: germline.

Literature cited by the submitters: PubMed 16199547 (cited by Labcorp Genetics (formerly Invitae), Labcorp); PubMed 15863660 (cited by Labcorp Genetics (formerly Invitae), Labcorp); PubMed 21412973 (cited by Labcorp Genetics (formerly Invitae), Labcorp).